The following is an entry in ClinVar:

NM_000540.3(RYR1):c.13345G>A (p.Glu4449Lys)

Genes: RYR1 (ryanodine receptor 1; plus strand), LOC130064357 (ATAC-STARR-seq lymphoblastoid silent region 10577; plus strand). Cytogenetic location: 19q13.2.
Variant type: single nucleotide variant.
Coding change: c.13345G>A on transcript NM_000540.3 (MANE Select); coding-DNA position 13345, G replaced by A.
Protein change: p.Glu4449Lys; replaces glutamic acid 4449 with lysine.
Molecular consequence: missense variant.
Genome position (GRCh38, 1-based): chr19:38,565,679, G>A. VCF-style: chr19-38565679-G-A. GRCh37 (hg19) VCF-style: chr19-39056319-G-A.
Other names: c.13330G>A, p.Glu4444Lys (NM_001042723.2); short protein forms E4444K, E4449K.
Identifiers: ClinVar variation 2891675 (VCV002891675.4), dbSNP rs531290623, ClinGen allele CA059744.

ClinVar aggregate classification (germline): Uncertain significance. Review status: criteria provided, multiple submitters, no conflicts (2 of 4 stars). 3 submissions from 3 submitters: Uncertain significance (3). Last evaluated 2025-11-28.

Conditions:
Malignant hyperthermia, susceptibility to, 1 (MHS1). Also called: Anesthesia related hyperthermia; Malignant hyperpyrexia; Fulminating hyperpyrexia; Pharmacogenic myopathy; RYR1-Related Malignant Hyperthermia Susceptibility; Malignant hyperthermia suceptibility 1. Identifiers: Orphanet 423, MedGen C2930980, MONDO:0007783, OMIM 145600.
RYR1-related disorder. Also called: RYR1-related condition; RYR1-related disorders. Identifiers: MedGen CN239331.

Allele frequency attached by ClinVar (database versions not stated): gnomAD 0.00001; 1000 Genomes Project 30x 0.00016; gnomAD exomes below 0.00001; TOPMed below 0.00001; 1000 Genomes Project 0.00020.
gnomAD v4.1: 2 of 1,398,174 alleles (0.00014%); highest among the groups gnomAD compares: African/African-American, 0.0015%; no homozygotes.

Submissions (3):

Dasa
Classification: Uncertain significance. Last evaluated: 2025-11-28. Review status: criteria provided, single submitter. Criteria: DASA Assertion Criteria. Collection method: clinical testing. Allele origin: germline.
Comment: NM_000540.3(RYR1):c.13345G>A (p.Glu4449Lys) is a missense variant that results in the substitution of glutamic acid with lysine. This variant is rare in population databases. The currently available literature and clinical evidence are not sufficient to establish a definitive association between this variant and the reported condition. Therefore, this variant is classified as a variant of uncertain significance.

Labcorp Genetics (formerly Invitae), Labcorp
Classification: Uncertain significance for RYR1-related disorder. Last evaluated: 2024-01-08. Review status: criteria provided, single submitter. Criteria: Invitae Variant Classification Sherloc (09022015). Collection method: clinical testing. Allele origin: germline.
Comment: This sequence change replaces glutamic acid, which is acidic and polar, with lysine, which is basic and polar, at codon 4449 of the RYR1 protein (p.Glu4449Lys). This variant is not present in population databases (gnomAD no frequency). This variant has not been reported in the literature in individuals affected with RYR1-related conditions. Advanced modeling of protein sequence and biophysical properties (such as structural, functional, and spatial information, amino acid conservation, physicochemical variation, residue mobility, and thermodynamic stability) performed at Invitae indicates that this missense variant is not expected to disrupt RYR1 protein function with a negative predictive value of 95%. In summary, the available evidence is currently insufficient to determine the role of this variant in disease. Therefore, it has been classified as a Variant of Uncertain Significance.

All of Us Research Program, National Institutes of Health
Classification: Uncertain significance for Malignant hyperthermia, susceptibility to, 1. Last evaluated: 2023-12-01. Review status: criteria provided, single submitter. Criteria: ACMG Guidelines, 2015. Collection method: clinical testing. Allele origin: germline. Inheritance: Autosomal dominant inheritance. Observed: 1 variant allele, 1 heterozygote.
Comment: This study involves interpretation of variants in research participants for the purpose of population health screening. Participant phenotype was not available at the time of variant classification. Additional details can be found in publication PMID: 35346344, PMCID: PMC8962531